The following is an entry in ClinVar:

NM_001079.4(ZAP70):c.329C>T (p.Pro110Leu)

Gene: ZAP70 (zeta chain of T cell receptor associated protein kinase 70; plus strand). Cytogenetic location: 2q11.2.
Variant type: single nucleotide variant.
Coding change: c.329C>T on transcript NM_001079.4 (MANE Select); coding-DNA position 329, C replaced by T.
Protein change: p.Pro110Leu; replaces proline 110 with leucine.
Molecular consequence: missense variant.
Genome position (GRCh38, 1-based): chr2:97,724,365, C>T. VCF-style: chr2-97724365-C-T. GRCh37 (hg19) VCF-style: chr2-98340828-C-T.
Other names: c.329C>T, p.Pro110Leu (NM_001378594.1); short protein forms P110L.
Identifiers: ClinVar variation 1696165 (VCV001696165.2), dbSNP rs1263938808, ClinGen allele CA347790872.

ClinVar aggregate classification (germline): Uncertain significance. Review status: criteria provided, multiple submitters, no conflicts (2 of 4 stars). 2 submissions from 2 submitters: Uncertain significance (2). Last evaluated 2025-01-26.

Conditions:
Inborn genetic diseases. Identifiers: MedGen C0950123, MeSH D030342.

Allele frequency attached by ClinVar (database versions not stated): gnomAD exomes below 0.00001; gnomAD 0.00001; TOPMed 0.00004.
gnomAD v4.1: 3 of 1,546,858 alleles (0.00019%); highest among the groups gnomAD compares: Admixed American, 0.0018%; no homozygotes.

Submissions (2):

Ambry Genetics
Classification: Uncertain significance for Inborn genetic diseases. Last evaluated: 2025-01-26. Review status: criteria provided, single submitter. Criteria: Ambry Variant Classification Scheme 2023. Collection method: clinical testing. Allele origin: germline.

Women's Health and Genetics/Laboratory Corporation of America, LabCorp
Classification: Uncertain significance. Last evaluated: 2022-05-03. Review status: criteria provided, single submitter. Criteria: LabCorp Variant Classification Summary - May 2015. Collection method: clinical testing. Allele origin: germline.
Comment: Variant summary: ZAP70 c.329C>T (p.Pro110Leu) results in a non-conservative amino acid change in the encoded protein sequence. Three of five in-silico tools predict a benign effect of the variant on protein function. The variant was absent in 173094 control chromosomes. The available data on variant occurrences in the general population are insufficient to allow any conclusion about variant significance. To our knowledge, no occurrence of c.329C>T in individuals affected with Severe Combined Immunodeficiency and no experimental evidence demonstrating its impact on protein function have been reported. No clinical diagnostic laboratories have submitted clinical-significance assessments for this variant to ClinVar after 2014. Based on the evidence outlined above, the variant was classified as uncertain significance.